The following is an entry in ClinVar:

ClinVar aggregate classification (germline): Benign/Likely benign. Review status: criteria provided, multiple submitters, no conflicts (2 of 4 stars). 3 submissions from 3 submitters: Benign (1); Likely benign (1). 1 of the submissions does not count toward it. Last evaluated 2023-08-19.

Allele frequency attached by ClinVar (database versions not stated): gnomAD exomes 0.00004 and 0.00013; ExAC 0.00023; gnomAD 0.00042; 1000 Genomes Project 0.00053; TOPMed 0.00053; ESP Exome Variant Server 0.00057; 1000 Genomes Project 30x 0.00062.
gnomAD v4.1: 90 of 1,209,222 alleles (0.0074%); highest among the groups gnomAD compares: African/African-American, 0.14%; no homozygotes.

Submissions (3):

Women's Health and Genetics/Laboratory Corporation of America, LabCorp
Classification: Benign. Last evaluated: 2023-08-19. Review status: criteria provided, single submitter. Criteria: LabCorp Variant Classification Summary - May 2015. Collection method: clinical testing. Allele origin: germline.

GeneDx
Classification: Likely benign. Last evaluated: 2016-07-21. Review status: criteria provided, single submitter. Criteria: GeneDx Variant Classification (06012015). Collection method: clinical testing. Allele origin: germline. Affected: yes.
Comment: This variant is considered likely benign or benign based on one or more of the following criteria: it is a conservative change, it occurs at a poorly conserved position in the protein, it is predicted to be benign by multiple in silico algorithms, and/or has population frequency not consistent with disease.

Laboratory for Molecular Medicine, Mass General Brigham Personalized Medicine
No classification provided. Last evaluated: 2014-07-03. Review status: no classification provided. Collection method: clinical testing. Allele origin: germline. Observed: 1 variant allele. Not counted in ClinVar's aggregate classification.

NM_002294.3(LAMP2):c.*15T>C

Gene: LAMP2 (lysosomal associated membrane protein 2; minus strand). Cytogenetic location: Xq24.
Variant type: single nucleotide variant.
Coding change: c.*15T>C on transcript NM_002294.3 (MANE Select); 15 bases downstream of the stop codon, T replaced by C.
Molecular consequence: 3 prime UTR variant. On other transcripts: intron variant (1).
Genome position (GRCh38, 1-based): chrX:120,431,308, A>G on the plus strand (T>C on the coding strand, the complement: LAMP2 is on the minus strand). VCF-style: chrX-120431308-A-G. GRCh37 (hg19) VCF-style: chrX-119565163-A-G.
Other names: c.1094-2682T>C (NM_001122606.1).
Identifiers: ClinVar variation 179016 (VCV000179016.5), dbSNP rs376806600, ClinGen allele CA183510.